The following is an entry in ClinVar:

NM_022455.5(NSD1):c.5342del (p.Pro1781fs)

Genes: NSD1 (nuclear receptor binding SET domain protein 1; plus strand), LOC126807619 (MED14-independent group 3 enhancer GRCh37_chr5:176696443-176697642; plus strand). Cytogenetic location: 5q35.3.
Variant type: Deletion.
Coding change: c.5342del on transcript NM_022455.5 (MANE Select); coding-DNA position 5342, one base deleted (C; older notation c.5342delC).
Protein change: p.Pro1781fs; shifts the reading frame from proline 1781.
Molecular consequence: frameshift variant.
Genome position (GRCh38, 1-based): chr5:177,269,640, C deleted; the last of 2 consecutive C bases (chr5:177,269,639-177,269,640); deleting either gives the same sequence. VCF-style (leftmost placement, unchanged base first): chr5-177269638-TC-T. GRCh37 (hg19) VCF-style: chr5-176696639-TC-T.
Other names: c.4469delC, p.Pro1490Leufs (NM_001365684.2, NM_001409308.1, NM_001409309.1 and 1 more transcripts); c.5342delC, p.Pro1781Leufs (NM_001409301.1, NM_001409302.1, NM_001409303.1); c.4922delC, p.Pro1641Leufs (NM_001409304.1); c.4589delC, p.Pro1530Leufs (NM_001409305.1); c.4580delC, p.Pro1527Leufs (NM_001409306.1, NM_001409307.1); short protein forms P1512fs, P1781fs.
Identifiers: ClinVar variation 817623 (VCV000817623.1), dbSNP rs1581497515, ClinGen allele CA915942757.
Genomic context (GRCh38, chr5:177,269,638, plus strand): 5'-CCTTCTCCTTTTCACCTTTCCCAGGTGGTGGCCAGCTGAGATCTGCCATCCTCGAGCTGT[TC>T]CTTCCAACATTGATAAGATGAGACATGATGTGGGAGAGTTCCCAGTCCTCTTTTTTGGAT-3'

ClinVar aggregate classification (germline): Pathogenic (1 of 4 stars; one submission).

Submission:

GeneDx
Classification: Pathogenic. Last evaluated: 2018-06-18. Review status: criteria provided, single submitter. Criteria: GeneDx Variant Classification (06012015). Collection method: clinical testing. Allele origin: germline. Affected: yes.
Comment: The c.5342delC variant in the NSD1 gene, denoted as c.5341delC due to alternative nomenclature, has been reported previously as de novo (assumed) in an individual with a clinical diagnosis of Sotos syndrome (Kurotaki et al., 2003). The c.5342delC variant causes a frameshift starting with codon Proline 1781, changes this amino acid to a Leucine residue, and creates a premature Stop codon at position 7 of the new reading frame, denoted p.Pro1781LeufsX7. This variant is predicted to cause loss of normal protein function either through protein truncation or nonsense-mediated mRNA decay. The c.5342delC variant is not observed in large population cohorts (Lek et al., 2016). We interpret c.5342delC as a pathogenic variant.